The following is an entry in ClinVar:

ClinVar aggregate classification (germline): Uncertain significance. Review status: criteria provided, multiple submitters, no conflicts (2 of 4 stars). 2 submissions from 2 submitters: Uncertain significance (2). Last evaluated 2024-07-15.

Conditions:
Hereditary cancer-predisposing syndrome. Also called: Neoplastic Syndromes, Hereditary; Hereditary Cancer Syndrome; Hereditary neoplastic syndrome; Tumor predisposition. Identifiers: Orphanet 140162, MedGen C0027672, MeSH D009386, MONDO:0015356.
Multiple endocrine neoplasia type 4. Also called: MULTIPLE ENDOCRINE NEOPLASIA, TYPE IV. Identifiers: Orphanet 276152, MedGen C1970712, MONDO:0012552, OMIM 610755.

gnomAD v4.1: 19 of 1,568,634 alleles (0.0012%); highest among the groups gnomAD compares: Non-Finnish European, 0.0015%; no homozygotes.

Submissions (2):

Labcorp Genetics (formerly Invitae), Labcorp
Classification: Uncertain significance for Multiple endocrine neoplasia type 4. Last evaluated: 2024-07-15. Review status: criteria provided, single submitter. Criteria: Invitae Variant Classification Sherloc (09022015). Collection method: clinical testing. Allele origin: germline.
Comment: This sequence change replaces threonine, which is neutral and polar, with lysine, which is basic and polar, at codon 142 of the CDKN1B protein (p.Thr142Lys). This variant is present in population databases (rs771115907, gnomAD 0.005%). This variant has not been reported in the literature in individuals affected with CDKN1B-related conditions. ClinVar contains an entry for this variant (Variation ID: 824731). An algorithm developed to predict the effect of missense changes on protein structure and function (PolyPhen-2) suggests that this variant is likely to be tolerated. In summary, the available evidence is currently insufficient to determine the role of this variant in disease. Therefore, it has been classified as a Variant of Uncertain Significance.

Ambry Genetics
Classification: Uncertain significance for Hereditary cancer-predisposing syndrome. Last evaluated: 2023-12-19. Review status: criteria provided, single submitter. Criteria: Ambry Variant Classification Scheme 2023. Collection method: clinical testing. Allele origin: germline.
Comment: The p.T142K variant (also known as c.425C>A), located in coding exon 1 of the CDKN1B gene, results from a C to A substitution at nucleotide position 425. The threonine at codon 142 is replaced by lysine, an amino acid with similar properties. This amino acid position is not well conserved in available vertebrate species. In addition, this alteration is predicted to be tolerated by in silico analysis. Since supporting evidence is limited at this time, the clinical significance of this alteration remains unclear.

NM_004064.5(CDKN1B):c.425C>A (p.Thr142Lys)

Gene: CDKN1B (cyclin dependent kinase inhibitor 1B; plus strand). Cytogenetic location: 12p13.1.
Variant type: single nucleotide variant.
Coding change: c.425C>A on transcript NM_004064.5 (MANE Select); coding-DNA position 425, C replaced by A.
Protein change: p.Thr142Lys; replaces threonine 142 with lysine.
Molecular consequence: missense variant.
Genome position (GRCh38, 1-based): chr12:12,718,264, C>A. VCF-style: chr12-12718264-C-A. GRCh37 (hg19) VCF-style: chr12-12871198-C-A.
Other names: short protein forms T142K.
Identifiers: ClinVar variation 824731 (VCV000824731.14), dbSNP rs771115907, ClinGen allele CA6457493.
Genomic context (GRCh38, chr12:12,718,264, plus strand): 5'-CGGCTAACTCTGAGGACACGCATTTGGTGGACCCAAAGACTGATCCGTCGGACAGCCAGA[C>A]GGGGTTAGCGGAGCAATGCGCAGGAATAAGGAAGCGACCTGCAACCGACGGTAATGACCC-3'
Protein context (NP_004055.1, residues 132-152): DPKTDPSDSQ[Thr142Lys]GLAEQCAGIR